The following is an entry in ClinVar:

NM_000059.4(BRCA2):c.671A>C (p.Asp224Ala)

Gene: BRCA2 (BRCA2 DNA repair associated; plus strand). Cytogenetic location: 13q13.1.
Variant type: single nucleotide variant.
Coding change: c.671A>C on transcript NM_000059.4 (MANE Select); coding-DNA position 671, A replaced by C.
Protein change: p.Asp224Ala; replaces aspartic acid 224 with alanine.
Molecular consequence: missense variant.
Genome position (GRCh38, 1-based): chr13:32,329,482, A>C. VCF-style: chr13-32329482-A-C. GRCh37 (hg19) VCF-style: chr13-32903619-A-C.
Other names: short protein forms D224A.
Identifiers: ClinVar variation 141017 (VCV000141017.13), dbSNP rs397507878, ClinGen allele CA024330.

ClinVar aggregate classification (germline): Uncertain significance. Review status: criteria provided, multiple submitters, no conflicts (2 of 4 stars). 2 submissions from 2 submitters: Uncertain significance (2). Last evaluated 2019-09-20.

Conditions:
Hereditary cancer-predisposing syndrome. Also called: Neoplastic Syndromes, Hereditary; Tumor predisposition; Hereditary Cancer Syndrome; Hereditary neoplastic syndrome. Identifiers: Orphanet 140162, MedGen C0027672, MeSH D009386, MONDO:0015356.
Hereditary breast ovarian cancer syndrome. Also called: Breast and ovarian cancer; Hereditary breast and ovarian cancer; Hereditary breast and/or ovarian cancer syndrome; BRCA1- and BRCA2-Associated Hereditary Breast and Ovarian Cancer; Hereditary breast and ovarian cancer syndrome; Hereditary breast and ovarian cancer syndrome (HBOC). Identifiers: Orphanet 145, MedGen C0677776, MeSH D061325, MONDO:0003582. Disease mechanism: loss of function.

Submissions (2):

Labcorp Genetics (formerly Invitae), Labcorp
Classification: Uncertain significance for Hereditary breast ovarian cancer syndrome. Last evaluated: 2019-09-20. Review status: criteria provided, single submitter. Criteria: Invitae Variant Classification Sherloc (09022015). Collection method: clinical testing. Allele origin: germline.
Comment: This sequence change replaces aspartic acid with alanine at codon 224 of the BRCA2 protein (p.Asp224Ala). The aspartic acid residue is moderately conserved and there is a moderate physicochemical difference between aspartic acid and alanine. This variant is not present in population databases (ExAC no frequency). This variant has not been reported in the literature in individuals with BRCA2-related conditions. ClinVar contains an entry for this variant (Variation ID: 141017). Algorithms developed to predict the effect of missense changes on protein structure and function (SIFT, PolyPhen-2, Align-GVGD) all suggest that this variant is likely to be tolerated, but these predictions have not been confirmed by published functional studies and their clinical significance is uncertain. In summary, the available evidence is currently insufficient to determine the role of this variant in disease. Therefore, it has been classified as a Variant of Uncertain Significance.

Ambry Genetics
Classification: Uncertain significance for Hereditary cancer-predisposing syndrome. Last evaluated: 2013-11-13. Review status: criteria provided, single submitter. Criteria: Ambry Autosomal Dominant and X-Linked criteria (10/2015). Collection method: clinical testing. Allele origin: germline. Observed: 1 variant allele.
Comment: Ã¢â‚¬â€¹The p.D224A variant (also known as c.671A>C or 899A>C) is located in coding exon 7 of the BRCA2 gene. This alteration results from an A to C substitution at nucleotide position 671. The aspartic acid at codon 224 is replaced by alanine, an amino acid with dissimilar properties. This variant was not reported in population-based cohorts in the following databases: Database of Single Nucleotide Polymorphisms (dbSNP), NHLBI Exome Sequencing Project (ESP) and 1000 Genomes Project. Another amino acid substitution at this position (p.D224V) was described in a family with three cases of female breast cancer and one case of male breast cancer (Evans DG et al. Fam. Cancer 2008;7(2):113-7). Based on protein sequence alignment, this amino acid position is highly conserved in available vertebrate species. In addition, this alteration is predicted to be possibly damaging and deleterious by PolyPhen and SIFT in silico analyses, respectively. Since supporting evidence is limited at this time, the clinical significance of p.D224A remains unclear.